The following is an entry in ClinVar:

ClinVar aggregate classification (germline): Uncertain significance (1 of 4 stars; one submission).

Allele frequency attached by ClinVar (database versions not stated): gnomAD exomes below 0.00001; TOPMed 0.00002; gnomAD 0.00003 and 0.00004.
gnomAD v4.1: 8 of 1,613,064 alleles (0.0005%); highest among the groups gnomAD compares: African/African-American, 0.008%; no homozygotes.

Submission:

Labcorp Genetics (formerly Invitae), Labcorp
Classification: Uncertain significance. Last evaluated: 2022-11-18. Review status: criteria provided, single submitter. Criteria: Invitae Variant Classification Sherloc (09022015). Collection method: clinical testing. Allele origin: germline.
Comment: In summary, the available evidence is currently insufficient to determine the role of this variant in disease. Therefore, it has been classified as a Variant of Uncertain Significance. Advanced modeling of protein sequence and biophysical properties (such as structural, functional, and spatial information, amino acid conservation, physicochemical variation, residue mobility, and thermodynamic stability) performed at Invitae indicates that this missense variant is not expected to disrupt COL9A1 protein function. This sequence change replaces asparagine, which is neutral and polar, with serine, which is neutral and polar, at codon 36 of the COL9A1 protein (p.Asn36Ser). This variant is present in population databases (no rsID available, gnomAD 0.008%). This variant has not been reported in the literature in individuals affected with COL9A1-related conditions. ClinVar contains an entry for this variant (Variation ID: 967282).

NM_001851.6(COL9A1):c.107A>G (p.Asn36Ser)

Gene: COL9A1 (collagen type IX alpha 1 chain; minus strand). Cytogenetic location: 6q13.
Variant type: single nucleotide variant.
Coding change: c.107A>G on transcript NM_001851.6 (MANE Select); coding-DNA position 107, A replaced by G.
Protein change: p.Asn36Ser; replaces asparagine 36 with serine.
Molecular consequence: missense variant.
Genome position (GRCh38, 1-based): chr6:70,300,368, T>C on the plus strand (A>G on the coding strand, the complement: COL9A1 is on the minus strand). VCF-style: chr6-70300368-T-C. GRCh37 (hg19) VCF-style: chr6-71010071-T-C.
Other names: c.107A>G, p.Asn36Ser (NM_001377291.1); short protein forms N36S.
Identifiers: ClinVar variation 967282 (VCV000967282.9), dbSNP rs1264829149, ClinGen allele CA364675217.